The following is an entry in ClinVar:

ClinVar aggregate classification (germline): Uncertain significance (1 of 4 stars; one submission).

Submission:

Labcorp Genetics (formerly Invitae), Labcorp
Classification: Uncertain significance. Last evaluated: 2025-06-25. Review status: criteria provided, single submitter. Criteria: Invitae Variant Classification Sherloc (09022015). Collection method: clinical testing. Allele origin: germline.
Comment: This sequence change replaces cysteine, which is neutral and slightly polar, with arginine, which is basic and polar, at codon 201 of the TUBB1 protein (p.Cys201Arg). This variant is not present in population databases (gnomAD no frequency). This variant has not been reported in the literature in individuals affected with TUBB1-related conditions. Invitae Evidence Modeling of protein sequence and biophysical properties (such as structural, functional, and spatial information, amino acid conservation, physicochemical variation, residue mobility, and thermodynamic stability) indicates that this missense variant is expected to disrupt TUBB1 protein function with a positive predictive value of 80%. In summary, the available evidence is currently insufficient to determine the role of this variant in disease. Therefore, it has been classified as a Variant of Uncertain Significance.

NM_030773.4(TUBB1):c.601T>C (p.Cys201Arg)

Gene: TUBB1 (tubulin beta 1 class VI; plus strand). Cytogenetic location: 20q13.32.
Variant type: single nucleotide variant.
Coding change: c.601T>C on transcript NM_030773.4 (MANE Select); coding-DNA position 601, T replaced by C.
Protein change: p.Cys201Arg; replaces cysteine 201 with arginine.
Molecular consequence: missense variant.
Genome position (GRCh38, 1-based): chr20:59,024,028, T>C. VCF-style: chr20-59024028-T-C. GRCh37 (hg19) VCF-style: chr20-57599083-T-C.
Other names: short protein forms C201R.
Identifiers: ClinVar variation 4741984 (VCV004741984.1).